The following is an entry in ClinVar:

NM_016222.4(DDX41):c.553G>A (p.Glu185Lys)

Gene: DDX41 (DEAD-box helicase 41; minus strand). Cytogenetic location: 5q35.3.
Variant type: single nucleotide variant.
Coding change: c.553G>A on transcript NM_016222.4 (MANE Select); coding-DNA position 553, G replaced by A.
Protein change: p.Glu185Lys; replaces glutamic acid 185 with lysine.
Molecular consequence: missense variant.
Genome position (GRCh38, 1-based): chr5:177,515,703, C>T on the plus strand (G>A on the coding strand, the complement: DDX41 is on the minus strand). VCF-style: chr5-177515703-C-T. GRCh37 (hg19) VCF-style: chr5-176942704-C-T.
Other names: c.175G>A, p.Glu59Lys (NM_001321830.2, NM_001321732.2); short protein forms E185K, E59K.
Identifiers: ClinVar variation 4869701 (VCV004869701.1).

ClinVar aggregate classification (germline): Uncertain significance (1 of 4 stars; one submission).

Conditions:
Inborn genetic diseases. Identifiers: MedGen C0950123, MeSH D030342.

Submission:

Ambry Genetics
Classification: Uncertain significance for Inborn genetic diseases. Last evaluated: 2026-06-14. Review status: criteria provided, single submitter. Criteria: Ambry Variant Classification Scheme 2023. Collection method: clinical testing. Allele origin: germline.
Comment: The p.E185K variant (also known as c.553G>A), located in coding exon 6 of the DDX41 gene, results from a G to A substitution at nucleotide position 553. The glutamic acid at codon 185 is replaced by lysine, an amino acid with similar properties. This amino acid position is conserved. In addition, the in silico prediction for this alteration is inconclusive. Based on the available evidence, the clinical significance of this variant remains unclear.